The following is an entry in ClinVar:

ClinVar aggregate classification (germline): Uncertain significance (1 of 4 stars; one submission).

Allele frequency attached by ClinVar (database versions not stated): ExAC 0.00001; gnomAD 0.00001; gnomAD exomes 0.00001; TOPMed 0.00001.
gnomAD v4.1: 6 of 1,612,182 alleles (0.00037%); highest among the groups gnomAD compares: Admixed American, 0.005%; no homozygotes.

Submission:

Labcorp Genetics (formerly Invitae), Labcorp
Classification: Uncertain significance. Last evaluated: 2024-02-17. Review status: criteria provided, single submitter. Criteria: Invitae Variant Classification Sherloc (09022015). Collection method: clinical testing. Allele origin: germline.
Comment: This sequence change replaces proline, which is neutral and non-polar, with alanine, which is neutral and non-polar, at codon 341 of the CBX2 protein (p.Pro341Ala). This variant is present in population databases (rs782071811, gnomAD 0.006%). This variant has not been reported in the literature in individuals affected with CBX2-related conditions. ClinVar contains an entry for this variant (Variation ID: 1447501). Advanced modeling of protein sequence and biophysical properties (such as structural, functional, and spatial information, amino acid conservation, physicochemical variation, residue mobility, and thermodynamic stability) performed at Invitae indicates that this missense variant is not expected to disrupt CBX2 protein function with a negative predictive value of 80%. In summary, the available evidence is currently insufficient to determine the role of this variant in disease. Therefore, it has been classified as a Variant of Uncertain Significance.

NM_005189.3(CBX2):c.1021C>G (p.Pro341Ala)

Gene: CBX2 (chromobox 2; plus strand). Cytogenetic location: 17q25.3.
Variant type: single nucleotide variant.
Coding change: c.1021C>G on transcript NM_005189.3 (MANE Select); coding-DNA position 1021, C replaced by G.
Protein change: p.Pro341Ala; replaces proline 341 with alanine.
Molecular consequence: missense variant.
Genome position (GRCh38, 1-based): chr17:79,784,464, C>G. VCF-style: chr17-79784464-C-G. GRCh37 (hg19) VCF-style: chr17-77758263-C-G.
Other names: short protein forms P341A.
Identifiers: ClinVar variation 1447501 (VCV001447501.6), dbSNP rs782071811, ClinGen allele CA8811396.